The following is an entry in ClinVar:

ClinVar aggregate classification (germline): Uncertain significance (1 of 4 stars; one submission).

Conditions:
Autosomal recessive nonsyndromic hearing loss 18B. Also called: Deafness, autosomal recessive 18b. Identifiers: Orphanet 90636, MedGen C3554163, MONDO:0013985, OMIM 614945.

gnomAD v4.1: 1 of 1,550,184 alleles (0.000065%); highest among the groups gnomAD compares: South Asian, 0.0012%; no homozygotes.

Submission:

Dasa
Classification: Uncertain significance for Autosomal recessive nonsyndromic hearing loss 18B. Last evaluated: 2025-08-27. Review status: criteria provided, single submitter. Criteria: DASA Assertion Criteria. Collection method: clinical testing. Allele origin: germline.
Comment: NM_001292063.2(OTOG):c.5554A>G (p.Thr1852Ala) is a missense variant that results in the substitution of threonine with alanine. This variant is rare in population databases. Computational prediction algorithms are consistent with a benign effect. The currently available literature and clinical evidence are not sufficient to establish a definitive association between this variant and the reported condition. Therefore, this variant is classified as a variant of uncertain significance.

NM_001292063.2(OTOG):c.5554A>G (p.Thr1852Ala)

Gene: OTOG (otogelin; plus strand). Cytogenetic location: 11p15.1.
Variant type: single nucleotide variant.
Coding change: c.5554A>G on transcript NM_001292063.2 (MANE Select); coding-DNA position 5554, A replaced by G.
Protein change: p.Thr1852Ala; replaces threonine 1852 with alanine.
Molecular consequence: missense variant.
Genome position (GRCh38, 1-based): chr11:17,610,854, A>G. VCF-style: chr11-17610854-A-G. GRCh37 (hg19) VCF-style: chr11-17632401-A-G.
Other names: c.5590A>G, p.Thr1864Ala (NM_001277269.2); short protein forms T1852A, T1864A.
Identifiers: ClinVar variation 4882703 (VCV004882703.2).